The following is an entry in ClinVar:

NM_001457.4(FLNB):c.1876G>T (p.Asp626Tyr)

Gene: FLNB (filamin B; plus strand). Cytogenetic location: 3p14.3.
Variant type: single nucleotide variant.
Coding change: c.1876G>T on transcript NM_001457.4 (MANE Select); coding-DNA position 1876, G replaced by T.
Protein change: p.Asp626Tyr; replaces aspartic acid 626 with tyrosine.
Molecular consequence: missense variant.
Genome position (GRCh38, 1-based): chr3:58,106,808, G>T. VCF-style: chr3-58106808-G-T. GRCh37 (hg19) VCF-style: chr3-58092535-G-T.
Other names: c.1876G>T, p.Asp626Tyr (NM_001164317.2, NM_001164318.2, NM_001164319.2); short protein forms D626Y.
Identifiers: ClinVar variation 1305659 (VCV001305659.6), dbSNP rs762150314, ClinGen allele CA2467949.

ClinVar aggregate classification (germline): Uncertain significance. Review status: criteria provided, multiple submitters, no conflicts (2 of 4 stars). 2 submissions from 2 submitters: Uncertain significance (2). Last evaluated 2025-06-23.

Allele frequency attached by ClinVar (database versions not stated): TOPMed below 0.00001; ExAC 0.00001; gnomAD exomes 0.00001.
gnomAD v4.1: 37 of 1,614,158 alleles (0.0023%); highest among the groups gnomAD compares: Non-Finnish European, 0.003%; no homozygotes.

Submissions (2):

Labcorp Genetics (formerly Invitae), Labcorp
Classification: Uncertain significance. Last evaluated: 2025-06-23. Review status: criteria provided, single submitter. Criteria: Invitae Variant Classification Sherloc (09022015). Collection method: clinical testing. Allele origin: germline.
Comment: This sequence change replaces aspartic acid, which is acidic and polar, with tyrosine, which is neutral and polar, at codon 626 of the FLNB protein (p.Asp626Tyr). This variant is present in population databases (rs762150314, gnomAD 0.003%). This variant has not been reported in the literature in individuals affected with FLNB-related conditions. ClinVar contains an entry for this variant (Variation ID: 1305659). Invitae Evidence Modeling of protein sequence and biophysical properties (such as structural, functional, and spatial information, amino acid conservation, physicochemical variation, residue mobility, and thermodynamic stability) indicates that this missense variant is not expected to disrupt FLNB protein function with a negative predictive value of 80%. In summary, the available evidence is currently insufficient to determine the role of this variant in disease. Therefore, it has been classified as a Variant of Uncertain Significance.

GeneDx
Classification: Uncertain significance. Last evaluated: 2019-05-06. Review status: criteria provided, single submitter. Criteria: GeneDx Variant Classification Process June 2021. Collection method: clinical testing. Allele origin: germline. Affected: yes.
Comment: Not observed at a significant frequency in large population cohorts (Lek et al., 2016); In silico analysis, which includes protein predictors and evolutionary conservation, supports a deleterious effect; Has not been previously published as pathogenic or benign to our knowledge